The following is an entry in ClinVar:

NM_002303.6(LEPR):c.1635A>G (p.Ala545=)

Gene: LEPR (leptin receptor; plus strand). Cytogenetic location: 1p31.3.
Variant type: single nucleotide variant.
Coding change: c.1635A>G on transcript NM_002303.6 (MANE Select); coding-DNA position 1635, A replaced by G.
Protein change: p.Ala545=; no amino-acid change (alanine 545 retained).
Molecular consequence: synonymous variant.
Genome position (GRCh38, 1-based): chr1:65,608,784, A>G. VCF-style: chr1-65608784-A-G. GRCh37 (hg19) VCF-style: chr1-66074467-A-G.
Other names: c.1635A>G, p.Ala545= (NM_001003679.3, NM_001003680.3, NM_001198687.2 and 2 more transcripts).
Identifiers: ClinVar variation 874953 (VCV000874953.7), dbSNP rs199507516, ClinGen allele CA894838.
Genomic context (GRCh38, chr1:65,608,784, plus strand): 5'-TCACTTAATACTATTGTAAAAATTTCTAGTGAAGCCACTGCCTCCATCCAGTGTGAAAGC[A>G]GAAATTACTATAAACATTGGATTATTGAAAATATCTTGGGAAAAGCCAGTCTTTCCAGAG-3'
Protein context (NP_002294.2, residues 535-555): VKPLPPSSVK[Ala545=]EITINIGLLK

ClinVar aggregate classification (germline): Uncertain significance. Review status: criteria provided, multiple submitters, no conflicts (2 of 4 stars). 3 submissions from 3 submitters: Uncertain significance (2). 1 of the submissions does not count toward it. Last evaluated 2018-01-12.

Conditions:
Obesity due to leptin receptor gene deficiency. Identifiers: Orphanet 179494, MedGen C3554225, MONDO:0013992, OMIM 614963.
LEPR-related disorder. Also called: LEPR-related disorders; LEPR-related condition.

Allele frequency attached by ClinVar (database versions not stated): gnomAD 0.00004; ExAC 0.00010; gnomAD exomes 0.00013 and 0.00005; TOPMed 0.00005.
gnomAD v4.1: 91 of 1,613,670 alleles (0.0056%); highest among the groups gnomAD compares: Middle Eastern, 0.016%; no homozygotes.

Submissions (3):

Illumina Laboratory Services, Illumina
Classification: Uncertain significance for Obesity due to leptin receptor gene deficiency. Last evaluated: 2018-01-12. Review status: criteria provided, single submitter. Criteria: ICSL Variant Classification Criteria 13 December 2019. Collection method: clinical testing. Allele origin: germline.

Breakthrough Genomics
Classification: Uncertain significance. Review status: criteria provided, single submitter. Criteria: ACMG Guidelines, 2015. Collection method: not provided. Allele origin: germline. Inheritance: Autosomal recessive inheritance. Affected: yes.

PreventionGenetics, part of Exact Sciences
Classification: Likely benign for LEPR-related condition. Last evaluated: 2019-10-22. Review status: no assertion criteria provided. Collection method: clinical testing. Allele origin: germline. Not counted in ClinVar's aggregate classification.
Comment: This variant is classified as likely benign based on ACMG/AMP sequence variant interpretation guidelines (Richards et al. 2015 PMID: 25741868, with internal and published modifications).